The following is an entry in ClinVar:

ClinVar aggregate classification (germline): Uncertain significance (1 of 4 stars; one submission).

Allele frequency attached by ClinVar (database versions not stated): TOPMed below 0.00001; gnomAD 0.00001; gnomAD exomes 0.00004; ExAC 0.00013; 1000 Genomes Project 30x 0.00016; 1000 Genomes Project 0.00020.
gnomAD v4.1: 63 of 1,588,068 alleles (0.004%); highest among the groups gnomAD compares: South Asian, 0.064%; no homozygotes.

Submission:

Labcorp Genetics (formerly Invitae), Labcorp
Classification: Uncertain significance. Last evaluated: 2025-04-28. Review status: criteria provided, single submitter. Criteria: Invitae Variant Classification Sherloc (09022015). Collection method: clinical testing. Allele origin: germline.
Comment: This sequence change falls in intron 55 of the HMCN1 gene. It does not directly change the encoded amino acid sequence of the HMCN1 protein. It affects a nucleotide within the consensus splice site. This variant is present in population databases (rs545019655, gnomAD 0.07%), and has an allele count higher than expected for a pathogenic variant. This variant has not been reported in the literature in individuals affected with HMCN1-related conditions. ClinVar contains an entry for this variant (Variation ID: 2078661). Variants that disrupt the consensus splice site are a relatively common cause of aberrant splicing (PMID: 17576681, 9536098). Algorithms developed to predict the effect of sequence changes on RNA splicing suggest that this variant is not likely to affect RNA splicing. In summary, the available evidence is currently insufficient to determine the role of this variant in disease. Therefore, it has been classified as a Variant of Uncertain Significance.

Literature cited by the submitters: PubMed 17576681; PubMed 9536098.

NM_031935.3(HMCN1):c.8599+6T>C

Gene: HMCN1 (hemicentin 1; plus strand). Cytogenetic location: 1q31.1.
Variant type: single nucleotide variant.
Coding change: c.8599+6T>C on transcript NM_031935.3 (MANE Select); 6 bases into the intron after coding-DNA position 8599, T replaced by C.
Molecular consequence: intron variant.
Genome position (GRCh38, 1-based): chr1:186,078,226, T>C. VCF-style: chr1-186078226-T-C. GRCh37 (hg19) VCF-style: chr1-186047358-T-C.
Identifiers: ClinVar variation 2078661 (VCV002078661.4), dbSNP rs545019655, ClinGen allele CA1293169.